The following is an entry in ClinVar:

ClinVar aggregate classification (germline): Uncertain significance (1 of 4 stars; one submission).

Conditions:
Autosomal recessive limb-girdle muscular dystrophy type 2O. Also called: Limb-Girdle Muscular Dystrophy Type 3C; MUSCULAR DYSTROPHY-DYSTROGLYCANOPATHY (LIMB-GIRDLE), TYPE C, 3; MUSCULAR DYSTROPHY-DYSTROGLYCANOPATHY, LIMB-GIRDLE, POMGNT1-RELATED. Identifiers: Orphanet 206564, MedGen C3150417, MONDO:0013161, OMIM 613157.
Muscular dystrophy-dystroglycanopathy (congenital with impaired intellectual development), type B, 3. Also called: MUSCULAR DYSTROPHY, CONGENITAL, POMGNT1-RELATED; Muscular dystrophy-dystroglycanopathy (congenital with intellectual disability), type B3. Identifiers: MedGen C3150412, MONDO:0013155, OMIM 613151.

Submission:

Labcorp Genetics (formerly Invitae), Labcorp
Classification: Uncertain significance for Autosomal recessive limb-girdle muscular dystrophy type 2O; Muscular dystrophy-dystroglycanopathy (congenital with impaired intellectual development), type B, 3. Last evaluated: 2022-08-16. Review status: criteria provided, single submitter. Criteria: Invitae Variant Classification Sherloc (09022015). Collection method: clinical testing. Allele origin: germline.
Comment: This sequence change replaces histidine, which is basic and polar, with proline, which is neutral and non-polar, at codon 500 of the POMGNT1 protein (p.His500Pro). This variant is not present in population databases (gnomAD no frequency). This variant has not been reported in the literature in individuals affected with POMGNT1-related conditions. Advanced modeling of protein sequence and biophysical properties (such as structural, functional, and spatial information, amino acid conservation, physicochemical variation, residue mobility, and thermodynamic stability) performed at Invitae indicates that this missense variant is expected to disrupt POMGNT1 protein function. In summary, the available evidence is currently insufficient to determine the role of this variant in disease. Therefore, it has been classified as a Variant of Uncertain Significance.

NM_017739.4(POMGNT1):c.1499A>C (p.His500Pro)

Genes: POMGNT1 (protein O-linked mannose N-acetylglucosaminyltransferase 1 (beta 1,2-); minus strand), TSPAN1 (tetraspanin 1; plus strand). Cytogenetic location: 1p34.1.
Variant type: single nucleotide variant.
Coding change: c.1499A>C on transcript NM_017739.4 (MANE Select); coding-DNA position 1499, A replaced by C.
Protein change: p.His500Pro; replaces histidine 500 with proline.
Molecular consequence: missense variant.
Genome position (GRCh38, 1-based): chr1:46,192,138, T>G on the plus strand (A>C on the coding strand, the complement: POMGNT1 is on the minus strand). VCF-style: chr1-46192138-T-G. GRCh37 (hg19) VCF-style: chr1-46657810-T-G.
Other names: c.1499A>C, p.His500Pro (NM_001243766.2, NM_001410783.1); c.1433A>C, p.His478Pro (NM_001290129.3); c.1070A>C, p.His357Pro (NM_001290130.2); short protein forms H478P, H357P, H500P.
Identifiers: ClinVar variation 2038053 (VCV002038053.1), dbSNP rs2525381830, ClinGen allele CA340173407.